The following is an entry in ClinVar:

NM_000321.3(RB1):c.1421+9T>C

Gene: RB1 (RB transcriptional corepressor 1; plus strand). Cytogenetic location: 13q14.2.
Variant type: single nucleotide variant.
Coding change: c.1421+9T>C on transcript NM_000321.3 (MANE Select); 9 bases into the intron after coding-DNA position 1421, T replaced by C.
Molecular consequence: intron variant.
Genome position (GRCh38, 1-based): chr13:48,380,093, T>C. VCF-style: chr13-48380093-T-C. GRCh37 (hg19) VCF-style: chr13-48954229-T-C.
Identifiers: ClinVar variation 237661 (VCV000237661.23), dbSNP rs183417081, ClinGen allele CA028750.
Genomic context (GRCh38, chr13:48,380,093, plus strand): 5'-TTTTAAATTATCTGTTTCAGGAAGAAGAACGATTATCCATTCAAAATTTTAGGTAAATTT[T>C]TTACTTTTAGTAAAAAATTTTTTTCTTTTTATAGAAGTAAGTATTTTATAATCTTTTTTT-3'

ClinVar aggregate classification (germline): Benign/Likely benign. Review status: criteria provided, multiple submitters, no conflicts (2 of 4 stars). 11 submissions from 11 submitters: Benign (4); Likely benign (7). Last evaluated 2026-04-01.

Conditions:
Hereditary retinoblastoma. Identifiers: Orphanet 357027, MedGen C0751483, MONDO:0018160.
Hereditary cancer-predisposing syndrome. Also called: Tumor predisposition; Hereditary Cancer Syndrome; Neoplastic Syndromes, Hereditary; Hereditary neoplastic syndrome. Identifiers: Orphanet 140162, MedGen C0027672, MeSH D009386, MONDO:0015356.
Retinoblastoma (RB1). Also called: RETINOBLASTOMA, SOMATIC. Identifiers: Orphanet 790, MedGen C0035335, MeSH D012175, MONDO:0008380, OMIM 180200, HP:0009919. Disease mechanism: loss of function. Inheritance: Both sporadic and heritable forms are tested..

Allele frequency attached by ClinVar (database versions not stated): gnomAD exomes 0.00008 and 0.00025; ExAC 0.00050; ESP Exome Variant Server 0.00055; 1000 Genomes Project 0.00080; 1000 Genomes Project 30x 0.00094; gnomAD 0.00099 and 0.00108; TOPMed 0.00105.
gnomAD v4.1: 248 of 1,426,818 alleles (0.017%); highest among the groups gnomAD compares: African/African-American, 0.34%; no homozygotes.

Submissions (11):

CeGaT Center for Human Genetics Tuebingen
Classification: Likely benign. Last evaluated: 2026-04-01. Review status: criteria provided, single submitter. Criteria: CeGaT Center For Human Genetics Tuebingen Variant Classification Criteria Version 2. Collection method: clinical testing. Allele origin: germline. Affected: yes. Observed: 1 variant allele.
Comment: RB1: BS1

Dasa
Classification: Likely benign. Last evaluated: 2026-03-30. Review status: criteria provided, single submitter. Criteria: DASA Assertion Criteria. Collection method: clinical testing. Allele origin: germline.
Comment: NM_000321.3(RB1):c.1421+9T>C is a splice-region variant. Population frequency is inconsistent with a disease-causing role for this variant. Computational prediction algorithms are consistent with a benign effect. Therefore, based on the currently available evidence, this variant is classified as likely benign.

Labcorp Genetics (formerly Invitae), Labcorp
Classification: Benign for Retinoblastoma. Last evaluated: 2026-02-02. Review status: criteria provided, single submitter. Criteria: Invitae Variant Classification Sherloc (09022015). Collection method: clinical testing. Allele origin: germline.

Myriad Genetics, Inc.
Classification: Benign for Retinoblastoma. Last evaluated: 2026-01-27. Review status: criteria provided, single submitter. Criteria: Myriad Autosomal Dominant, Autosomal Recessive and X-Linked Classification Criteria (2023). Collection method: clinical testing. Allele origin: unknown.
Comment: This variant is considered benign. This variant is intronic and is not expected to impact mRNA splicing. This variant has been observed at a population frequency that is significantly greater than expected given the associated disease prevalence and penetrance.

Ramesar Group, Division of Human Genetics, Institute of Infectious Diseases and Molecular Medicine, UCT/MRC Genomic and Precision Medicine Research Unit, University of Cape Town
Classification: Likely benign for Hereditary retinoblastoma. Last evaluated: 2025-09-17. Review status: criteria provided, single submitter. Criteria: ACMG Guidelines, 2015. Collection method: research. Allele origin: germline. Affected: no.
Comment: BP5 - Variant found in a patient with a different retinal disease; RB1 is not associated with the phenotype BP6 - Reported as benign in ClinVar BP7 - A non-coding variant with no predicted effect on splicing (SpliceAI scores are negligible)

KCCC/NGS Laboratory, Kuwait Cancer Control Center
Classification: Benign for Retinoblastoma. Last evaluated: 2025-02-01. Review status: criteria provided, single submitter. Criteria: ACMG Guidelines, 2015. Collection method: clinical testing. Allele origin: germline. Affected: no.

Women's Health and Genetics/Laboratory Corporation of America, LabCorp
Classification: Benign. Last evaluated: 2024-04-29. Review status: criteria provided, single submitter. Criteria: LabCorp Variant Classification Summary - May 2015. Collection method: clinical testing. Allele origin: germline.

ARUP Laboratories, Molecular Genetics and Genomics, ARUP Laboratories
Classification: Likely benign. Last evaluated: 2024-02-27. Review status: criteria provided, single submitter. Criteria: ARUP Molecular Germline Variant Investigation Process 2024. Collection method: clinical testing. Allele origin: germline.

Blueprint Genetics
Classification: Likely benign. Last evaluated: 2024-02-01. Review status: criteria provided, single submitter. Criteria: ACMG Guidelines, 2015. Collection method: clinical testing. Allele origin: germline.

Color Diagnostics, LLC DBA Color Health
Classification: Likely benign for Retinoblastoma. Last evaluated: 2023-10-11. Review status: criteria provided, single submitter. Criteria: ACMG Guidelines, 2015. Collection method: clinical testing. Allele origin: germline.

Sema4
Classification: Likely benign for Hereditary cancer-predisposing syndrome. Last evaluated: 2020-11-06. Review status: criteria provided, single submitter. Criteria: Sema4 Curation Guidelines. Collection method: curation. Allele origin: germline.